The following is an entry in ClinVar:

ClinVar aggregate classification (germline): Uncertain significance (1 of 4 stars; one submission).

Conditions:
SMARCA5-related disorder. Also called: SMARCA5-Related Disorders; SMARCA5-related condition.

Submission:

PreventionGenetics, part of Exact Sciences
Classification: Uncertain significance for SMARCA5-related condition. Last evaluated: 2026-05-05. Review status: criteria provided, single submitter. Criteria: ACMG Guidelines, 2015. Collection method: clinical testing. Allele origin: germline.
Comment: The SMARCA5 c.1886C>T variant is predicted to result in the amino acid substitution p.Ser629Leu. To our knowledge, this variant has not been reported in the literature or in a large population database (gnomAD), indicating this variant is rare. At this time, the clinical significance of this variant is uncertain due to the absence of conclusive functional and genetic evidence.

NM_003601.4(SMARCA5):c.1886C>T (p.Ser629Leu)

Gene: SMARCA5 (SNF2 related chromatin remodeling ATPase 5; plus strand). Cytogenetic location: 4q31.21.
Variant type: single nucleotide variant.
Coding change: c.1886C>T on transcript NM_003601.4 (MANE Select); coding-DNA position 1886, C replaced by T.
Protein change: p.Ser629Leu; replaces serine 629 with leucine.
Molecular consequence: missense variant.
Genome position (GRCh38, 1-based): chr4:143,540,478, C>T. VCF-style: chr4-143540478-C-T. GRCh37 (hg19) VCF-style: chr4-144461631-C-T.
Other names: short protein forms S629L.
Identifiers: ClinVar variation 4988479 (VCV004988479.1).